The following is an entry in ClinVar:

ClinVar aggregate classification (germline): Uncertain significance. Review status: criteria provided, multiple submitters, no conflicts (2 of 4 stars). 2 submissions from 2 submitters: Uncertain significance (2). Last evaluated 2025-08-20.

Conditions:
Axenfeld-Rieger syndrome type 3 (RIEG3). Also called: AXENFELD-RIEGER ANOMALY WITH CARDIAC DEFECTS AND/OR SENSORINEURAL HEARING LOSS. Identifiers: Orphanet 782, MedGen C2678503, MONDO:0011233, OMIM 602482.
Inborn genetic diseases. Identifiers: MedGen C0950123, MeSH D030342.

Allele frequency attached by ClinVar (database versions not stated): gnomAD 0.00001; TOPMed 0.00001.
gnomAD v4.1: 8 of 1,456,424 alleles (0.00055%); highest among the groups gnomAD compares: Non-Finnish European, 0.00063%; no homozygotes.

Submissions (2):

Ambry Genetics
Classification: Uncertain significance for Inborn genetic diseases. Last evaluated: 2025-08-20. Review status: criteria provided, single submitter. Criteria: Ambry Variant Classification Scheme 2023. Collection method: clinical testing. Allele origin: germline.

Labcorp Genetics (formerly Invitae), Labcorp
Classification: Uncertain significance for Axenfeld-Rieger syndrome type 3. Last evaluated: 2022-08-29. Review status: criteria provided, single submitter. Criteria: Invitae Variant Classification Sherloc (09022015). Collection method: clinical testing. Allele origin: germline.
Comment: Algorithms developed to predict the effect of missense changes on protein structure and function (SIFT, PolyPhen-2, Align-GVGD) all suggest that this variant is likely to be disruptive. In summary, the available evidence is currently insufficient to determine the role of this variant in disease. Therefore, it has been classified as a Variant of Uncertain Significance. This variant has not been reported in the literature in individuals affected with FOXC1-related conditions. This sequence change replaces proline, which is neutral and non-polar, with alanine, which is neutral and non-polar, at codon 260 of the FOXC1 protein (p.Pro260Ala). This variant is not present in population databases (gnomAD no frequency).

NM_001453.3(FOXC1):c.778C>G (p.Pro260Ala)

Gene: FOXC1 (forkhead box C1; plus strand). Cytogenetic location: 6p25.3.
Variant type: single nucleotide variant.
Coding change: c.778C>G on transcript NM_001453.3 (MANE Select); coding-DNA position 778, C replaced by G.
Protein change: p.Pro260Ala; replaces proline 260 with alanine.
Molecular consequence: missense variant.
Genome position (GRCh38, 1-based): chr6:1,611,223, C>G. VCF-style: chr6-1611223-C-G. GRCh37 (hg19) VCF-style: chr6-1611458-C-G.
Other names: c.778C>G (NM_001453.2); short protein forms P260A.
Identifiers: ClinVar variation 2198492 (VCV002198492.5), dbSNP rs1476699724, ClinGen allele CA362559550.